The following is an entry in ClinVar:

NM_017654.4(SAMD9):c.1312G>C (p.Ala438Pro)

Gene: SAMD9 (sterile alpha motif domain containing 9; minus strand). Cytogenetic location: 7q21.2.
Variant type: single nucleotide variant.
Coding change: c.1312G>C on transcript NM_017654.4 (MANE Select); coding-DNA position 1312, G replaced by C.
Protein change: p.Ala438Pro; replaces alanine 438 with proline.
Molecular consequence: missense variant.
Genome position (GRCh38, 1-based): chr7:93,104,786, C>G on the plus strand (G>C on the coding strand, the complement: SAMD9 is on the minus strand). VCF-style: chr7-93104786-C-G. GRCh37 (hg19) VCF-style: chr7-92734099-C-G.
Other names: c.1312G>C, p.Ala438Pro (NM_001193307.2); short protein forms A438P.
Identifiers: ClinVar variation 3792043 (VCV003792043.1).

ClinVar aggregate classification (germline): Uncertain significance (1 of 4 stars; one submission).

Conditions:
Inborn genetic diseases. Identifiers: MedGen C0950123, MeSH D030342.

gnomAD v4.1: 16 of 1,613,696 alleles (0.00099%); highest among the groups gnomAD compares: South Asian, 0.018%; 1 homozygote.

Submission:

Ambry Genetics
Classification: Uncertain significance for Inborn genetic diseases. Last evaluated: 2025-02-02. Review status: criteria provided, single submitter. Criteria: Ambry Variant Classification Scheme 2023. Collection method: clinical testing. Allele origin: germline.
Comment: The p.A438P variant (also known as c.1312G>C), located in coding exon 1 of the SAMD9 gene, results from a G to C substitution at nucleotide position 1312. The alanine at codon 438 is replaced by proline, an amino acid with highly similar properties. This amino acid position is conserved. In addition, the in silico prediction for this alteration is inconclusive. Based on the available evidence, the clinical significance of this variant remains unclear.